The following is an entry in ClinVar:

ClinVar aggregate classification (germline): Uncertain significance (1 of 4 stars; one submission).

Conditions:
Tumor predisposition syndrome 3 (TPDS3). Also called: Melanoma, cutaneous malignant, susceptibility to, 10; Glioma susceptibility 9; LONG TELOMERE SYNDROME, POT1-RELATED; POT1 Tumor Predisposition. Identifiers: Orphanet 618, MedGen C4014476, MONDO:0014368, OMIM 615848.

Submission:

Labcorp Genetics (formerly Invitae), Labcorp
Classification: Uncertain significance for Tumor predisposition syndrome 3. Last evaluated: 2020-05-25. Review status: criteria provided, single submitter. Criteria: Invitae Variant Classification Sherloc (09022015). Collection method: clinical testing. Allele origin: germline.
Comment: In summary, the available evidence is currently insufficient to determine the role of this variant in disease. Therefore, it has been classified as a Variant of Uncertain Significance. Algorithms developed to predict the effect of missense changes on protein structure and function are either unavailable or do not agree on the potential impact of this missense change (SIFT: "Deleterious"; PolyPhen-2: "Benign"; Align-GVGD: "Class C25"). This variant has not been reported in the literature in individuals with POT1-related conditions. This variant is not present in population databases (ExAC no frequency). This sequence change replaces glutamine with leucine at codon 359 of the POT1 protein (p.Gln359Leu). The glutamine residue is highly conserved and there is a moderate physicochemical difference between glutamine and leucine.

NM_015450.3(POT1):c.1076A>T (p.Gln359Leu)

Gene: POT1 (protection of telomeres 1; minus strand). Cytogenetic location: 7q31.33.
Variant type: single nucleotide variant.
Coding change: c.1076A>T on transcript NM_015450.3 (MANE Select); coding-DNA position 1076, A replaced by T.
Protein change: p.Gln359Leu; replaces glutamine 359 with leucine.
Molecular consequence: missense variant. On other transcripts: non-coding transcript variant (3).
Genome position (GRCh38, 1-based): chr7:124,842,894, T>A on the plus strand (A>T on the coding strand, the complement: POT1 is on the minus strand). VCF-style: chr7-124842894-T-A. GRCh37 (hg19) VCF-style: chr7-124482948-T-A.
Other names: c.683A>T, p.Gln228Leu (NM_001042594.2); short protein forms Q228L, Q359L.
Identifiers: ClinVar variation 1056092 (VCV001056092.9), dbSNP rs755330949, ClinGen allele CA369068416.